The following is an entry in ClinVar:

NM_139215.3(TAF15):c.1500C>T (p.Gly500=)

Gene: TAF15 (TATA-box binding protein associated factor 15; plus strand). Cytogenetic location: 17q12.
Variant type: single nucleotide variant.
Coding change: c.1500C>T on transcript NM_139215.3 (MANE Select); coding-DNA position 1500, C replaced by T.
Protein change: p.Gly500=; no amino-acid change (glycine 500 retained).
Molecular consequence: synonymous variant.
Genome position (GRCh38, 1-based): chr17:35,844,799, C>T. VCF-style: chr17-35844799-C-T. GRCh37 (hg19) VCF-style: chr17-34171803-C-T.
Other names: c.1491C>T, p.Gly497= (NM_003487.4).
Identifiers: ClinVar variation 3770675 (VCV003770675.13).

ClinVar aggregate classification (germline): Likely benign (1 of 4 stars; one submission).

gnomAD v4.1: 8 of 1,597,466 alleles (0.0005%); highest among the groups gnomAD compares: African/African-American, 0.0027%; no homozygotes.

Submission:

CeGaT Center for Human Genetics Tuebingen
Classification: Likely benign. Last evaluated: 2025-02-01. Review status: criteria provided, single submitter. Criteria: CeGaT Center For Human Genetics Tuebingen Variant Classification Criteria Version 2. Collection method: clinical testing. Allele origin: germline. Affected: yes. Observed: 1 variant allele.
Comment: TAF15: BP4, BP7